The following is an entry in ClinVar:

ClinVar aggregate classification (germline): Uncertain significance (1 of 4 stars; one submission).

Submission:

Labcorp Genetics (formerly Invitae), Labcorp
Classification: Uncertain significance. Last evaluated: 2024-02-14. Review status: criteria provided, single submitter. Criteria: Invitae Variant Classification Sherloc (09022015). Collection method: clinical testing. Allele origin: germline.
Comment: This sequence change replaces proline, which is neutral and non-polar, with arginine, which is basic and polar, at codon 4665 of the PCLO protein (p.Pro4665Arg). This variant is not present in population databases (gnomAD no frequency). This variant has not been reported in the literature in individuals affected with PCLO-related conditions. Experimental studies and prediction algorithms are not available or were not evaluated, and the functional significance of this variant is currently unknown. In summary, the available evidence is currently insufficient to determine the role of this variant in disease. Therefore, it has been classified as a Variant of Uncertain Significance.

NM_033026.6(PCLO):c.13994C>G (p.Pro4665Arg)

Gene: PCLO (piccolo presynaptic cytomatrix protein; minus strand). Cytogenetic location: 7q21.11.
Variant type: single nucleotide variant.
Coding change: c.13994C>G on transcript NM_033026.6 (MANE Select); coding-DNA position 13994, C replaced by G.
Protein change: p.Pro4665Arg; replaces proline 4665 with arginine.
Molecular consequence: missense variant.
Genome position (GRCh38, 1-based): chr7:82,845,323, G>C on the plus strand (C>G on the coding strand, the complement: PCLO is on the minus strand). VCF-style: chr7-82845323-G-C. GRCh37 (hg19) VCF-style: chr7-82474639-G-C.
Other names: c.13994C>G, p.Pro4665Arg (NM_014510.3); short protein forms P4665R.
Identifiers: ClinVar variation 2802028 (VCV002802028.3), dbSNP rs1792470727, ClinGen allele CA367878764.
Genomic context (GRCh38, chr7:82,845,323, plus strand): 5'-ATCCTCACCTTGCTGCTGCCGTGCTTCTTTTTGCTCACTGAGGGGGACCCTGGTTGCCCA[G>C]GGCTGGGAACGGAACTGGATCCTGCTGATGTAGGACCTGAATGAACATGAGATCCTTTTT-3'
Protein context (NP_149015.2, residues 4655-4675): TSAGSSSVPS[Pro4665Arg]GQPGSPSVSK